The following is an entry in ClinVar:

NM_001378778.1(MPDZ):c.1132G>A (p.Val378Ile)

Gene: MPDZ (multiple PDZ domain crumbs cell polarity complex component; minus strand). Cytogenetic location: 9p23.
Variant type: single nucleotide variant.
Coding change: c.1132G>A on transcript NM_001378778.1 (MANE Select); coding-DNA position 1132, G replaced by A.
Protein change: p.Val378Ile; replaces valine 378 with isoleucine.
Molecular consequence: missense variant.
Genome position (GRCh38, 1-based): chr9:13,217,249, C>T on the plus strand (G>A on the coding strand, the complement: MPDZ is on the minus strand). VCF-style: chr9-13217249-C-T. GRCh37 (hg19) VCF-style: chr9-13217248-C-T.
Other names: c.1132G>A, p.Val378Ile (NM_001261406.2, NM_001261407.2, NM_001330637.2 and 14 more transcripts); c.1132G>A (NM_003829.3); short protein forms V378I.
Identifiers: ClinVar variation 1356124 (VCV001356124.4), dbSNP rs199812658, ClinGen allele CA4987886.

ClinVar aggregate classification (germline): Uncertain significance. Review status: criteria provided, multiple submitters, no conflicts (2 of 4 stars). 2 submissions from 2 submitters: Uncertain significance (2). Last evaluated 2025-06-29.

Conditions:
Inborn genetic diseases. Identifiers: MedGen C0950123, MeSH D030342.

Allele frequency attached by ClinVar (database versions not stated): gnomAD exomes 0.00002 and 0.00008; gnomAD 0.00004 and 0.00005; TOPMed 0.00004; ExAC 0.00009; 1000 Genomes Project 0.00040; 1000 Genomes Project 30x 0.00062.
gnomAD v4.1: 32 of 1,603,934 alleles (0.002%); highest among the groups gnomAD compares: Admixed American, 0.044%; no homozygotes.

Submissions (2):

Ambry Genetics
Classification: Uncertain significance for Inborn genetic diseases. Last evaluated: 2025-06-29. Review status: criteria provided, single submitter. Criteria: Ambry Variant Classification Scheme 2023. Collection method: clinical testing. Allele origin: germline.

Labcorp Genetics (formerly Invitae), Labcorp
Classification: Uncertain significance. Last evaluated: 2022-08-22. Review status: criteria provided, single submitter. Criteria: Invitae Variant Classification Sherloc (09022015). Collection method: clinical testing. Allele origin: germline.
Comment: This sequence change replaces valine, which is neutral and non-polar, with isoleucine, which is neutral and non-polar, at codon 378 of the MPDZ protein (p.Val378Ile). This variant is present in population databases (rs199812658, gnomAD 0.05%). This variant has not been reported in the literature in individuals affected with MPDZ-related conditions. ClinVar contains an entry for this variant (Variation ID: 1356124). Algorithms developed to predict the effect of missense changes on protein structure and function (SIFT, PolyPhen-2, Align-GVGD) all suggest that this variant is likely to be disruptive. In summary, the available evidence is currently insufficient to determine the role of this variant in disease. Therefore, it has been classified as a Variant of Uncertain Significance.